The following is an entry in ClinVar:

ClinVar aggregate classification (germline): Pathogenic (1 of 4 stars; one submission).

Conditions:
Muscular dystrophy-dystroglycanopathy (congenital with brain and eye anomalies), type a, 11 (MDDGA11). Also called: WALKER-WARBURG SYNDROME OR MUSCLE-EYE-BRAIN DISEASE, B3GALNT2-RELATED; Muscular dystrophy-dystroglycanopathy (congenital with brain and eye anomalies, type A, 11; Congenital muscular dystrophy-dystroglycanopathy with brain and eye anomalies, type A11. Identifiers: Orphanet 588, Orphanet 899, MedGen C3554638, MONDO:0014071, OMIM 615181.

Allele frequency attached by ClinVar (database versions not stated): TOPMed 0.00001.
gnomAD v4.1: 18 of 1,613,646 alleles (0.0011%); highest among the groups gnomAD compares: Non-Finnish European, 0.0014%; no homozygotes.

Submission:

Baylor Genetics
Classification: Pathogenic for Muscular dystrophy-dystroglycanopathy (congenital with brain and eye anomalies), type a, 11. Last evaluated: 2017-09-01. Review status: criteria provided, single submitter. Criteria: ACMG Guidelines, 2015. Collection method: clinical testing. Allele origin: germline. Inheritance: Autosomal recessive inheritance. Affected: yes.
Comment: This intronic mutation is categorized as deleterious according to ACMG guidelines (PMID:18414213).

Literature cited by the submitters: PubMed 25326635.

NM_152490.5(B3GALNT2):c.763-1G>A

Gene: B3GALNT2 (beta-1,3-N-acetylgalactosaminyltransferase 2; minus strand). Cytogenetic location: 1q42.3.
Variant type: single nucleotide variant.
Coding change: c.763-1G>A on transcript NM_152490.5 (MANE Select); the canonical splice acceptor site of the intron before coding-DNA position 763, G replaced by A.
Molecular consequence: splice acceptor variant.
Genome position (GRCh38, 1-based): chr1:235,465,715, C>T on the plus strand (G>A on the coding strand, the complement: B3GALNT2 is on the minus strand). VCF-style: chr1-235465715-C-T. GRCh37 (hg19) VCF-style: chr1-235629032-C-T.
Other names: c.886-1G>A (NM_001277155.3).
Identifiers: ClinVar variation 560963 (VCV000560963.2), dbSNP rs780433836, ClinGen allele CA39613379.